The following is an entry in ClinVar:

ClinVar aggregate classification (germline): Conflicting classifications of pathogenicity. Review status: criteria provided, conflicting classifications (1 of 4 stars). 2 submissions from 2 submitters: Likely pathogenic (1); Uncertain significance (1). Last evaluated 2025-09-26.

Conditions:
Hereditary cancer-predisposing syndrome. Also called: Neoplastic Syndromes, Hereditary; Hereditary neoplastic syndrome; Hereditary Cancer Syndrome; Tumor predisposition. Identifiers: Orphanet 140162, MedGen C0027672, MeSH D009386, MONDO:0015356.
Cardiovascular phenotype. Identifiers: MedGen CN230736.
Neurofibromatosis, type 1 (NF1). Also called: Peripheral type neurofibromatosis; Neurofibromatosis, type I; VON RECKLINGHAUSEN DISEASE; NEUROFIBROMATOSIS, TYPE I, SOMATIC. Identifiers: Orphanet 636, MedGen C0027831, MONDO:0018975, OMIM 162200. Disease mechanism: loss of function.

Submissions (2):

Ambry Genetics
Classification: Uncertain significance for Cardiovascular phenotype; Hereditary cancer-predisposing syndrome. Last evaluated: 2025-09-26. Review status: criteria provided, single submitter. Criteria: Ambry Variant Classification Scheme 2023. Collection method: clinical testing. Allele origin: germline.
Comment: The p.N1278Y variant (also known as c.3832A>T), located in coding exon 28 of the NF1 gene, results from an A to T substitution at nucleotide position 3832. The asparagine at codon 1278 is replaced by tyrosine, an amino acid with dissimilar properties. This amino acid position is highly conserved in available vertebrate species. In addition, this alteration is predicted to be deleterious by in silico analysis. Based on the available evidence, the clinical significance of this variant remains unclear.

Labcorp Genetics (formerly Invitae), Labcorp
Classification: Likely pathogenic for Neurofibromatosis, type 1. Last evaluated: 2022-06-27. Review status: criteria provided, single submitter. Criteria: Invitae Variant Classification Sherloc (09022015). Collection method: clinical testing. Allele origin: germline.
Comment: This variant disrupts the p.Asn1278 amino acid residue in NF1. Other variant(s) that disrupt this residue have been determined to be pathogenic (PMID: 12787671, 28961165; Invitae). This suggests that this residue is clinically significant, and that variants that disrupt this residue are likely to be disease-causing. In summary, the currently available evidence indicates that the variant is pathogenic, but additional data are needed to prove that conclusively. Therefore, this variant has been classified as Likely Pathogenic. Advanced modeling of protein sequence and biophysical properties (such as structural, functional, and spatial information, amino acid conservation, physicochemical variation, residue mobility, and thermodynamic stability) performed at Invitae indicates that this missense variant is expected to disrupt NF1 protein function. ClinVar contains an entry for this variant (Variation ID: 944500). This variant has not been reported in the literature in individuals affected with NF1-related conditions. This variant is not present in population databases (gnomAD no frequency). This sequence change replaces asparagine, which is neutral and polar, with tyrosine, which is neutral and polar, at codon 1278 of the NF1 protein (p.Asn1278Tyr).

Literature cited by the submitters: PubMed 12787671 (cited by Labcorp Genetics (formerly Invitae), Labcorp); PubMed 28961165 (cited by Labcorp Genetics (formerly Invitae), Labcorp).

NM_001042492.3(NF1):c.3832A>T (p.Asn1278Tyr)

Gene: NF1 (neurofibromin 1; plus strand). Cytogenetic location: 17q11.2.
Variant type: single nucleotide variant.
Coding change: c.3832A>T on transcript NM_001042492.3 (MANE Select); coding-DNA position 3832, A replaced by T.
Protein change: p.Asn1278Tyr; replaces asparagine 1278 with tyrosine.
Molecular consequence: missense variant.
Genome position (GRCh38, 1-based): chr17:31,235,734, A>T. VCF-style: chr17-31235734-A-T. GRCh37 (hg19) VCF-style: chr17-29562752-A-T.
Other names: c.3832A>T, p.Asn1278Tyr (NM_000267.4); short protein forms N1278Y.
Identifiers: ClinVar variation 944500 (VCV000944500.7), dbSNP rs1306874240, ClinGen allele CA398992776.